The following is an entry in ClinVar:

NM_032043.3(BRIP1):c.2793A>G (p.Pro931=)

Gene: BRIP1 (BRCA1 interacting DNA helicase 1; minus strand). Cytogenetic location: 17q23.2.
Variant type: single nucleotide variant.
Coding change: c.2793A>G on transcript NM_032043.3 (MANE Select); coding-DNA position 2793, A replaced by G.
Protein change: p.Pro931=; no amino-acid change (proline 931 retained).
Molecular consequence: synonymous variant.
Genome position (GRCh38, 1-based): chr17:61,685,948, T>C on the plus strand (A>G on the coding strand, the complement: BRIP1 is on the minus strand). VCF-style: chr17-61685948-T-C. GRCh37 (hg19) VCF-style: chr17-59763309-T-C.
Identifiers: ClinVar variation 3379199 (VCV003379199.1).
Genomic context (GRCh38, chr17:61,685,948, plus strand): 5'-AATTTTAGGACACTGTAGTTCCTGGACACATATCTTTGCTTCATCTTCCACAAAATTTTC[T>C]GGTGATAGATGACTTGCTGCTTCCAGTAAATAAGGTGAGGTACTGTACTTTAAAGAGGTC-3'
Protein context (NP_114432.2, residues 921-941): YLLEAASHLS[Pro931=]ENFVEDEAKI

ClinVar aggregate classification (germline): Benign (1 of 4 stars; one submission).

Conditions:
Familial cancer of breast. Also called: hereditary breast carcinoma; Hereditary breast cancer; BREAST CANCER, FAMILIAL. Identifiers: Orphanet 227535, MedGen C0346153, MONDO:0016419, OMIM 114480. Disease mechanism: loss of function.

Submission:

Myriad Genetics, Inc.
Classification: Benign for Familial cancer of breast. Last evaluated: 2024-09-06. Review status: criteria provided, single submitter. Criteria: Myriad Autosomal Dominant, Autosomal Recessive and X-Linked Classification Criteria (2023). Collection method: clinical testing. Allele origin: unknown.
Comment: This variant is considered benign. This variant is a silent/synonymous amino acid change and it is not expected to impact splicing.